The following is an entry in ClinVar:

NM_001102564.3(IFT43):c.195T>A (p.Gly65=)

Gene: IFT43 (intraflagellar transport 43; plus strand). Cytogenetic location: 14q24.3.
Variant type: single nucleotide variant.
Coding change: c.195T>A on transcript NM_001102564.3 (MANE Select); coding-DNA position 195, T replaced by A.
Protein change: p.Gly65=; no amino-acid change (glycine 65 retained).
Molecular consequence: synonymous variant. On other transcripts: non-coding transcript variant (2).
Genome position (GRCh38, 1-based): chr14:76,022,374, T>A. VCF-style: chr14-76022374-T-A. GRCh37 (hg19) VCF-style: chr14-76488717-T-A.
Other names: c.195T>A, p.Gly65= (NM_001255995.3, NM_052873.3).
Identifiers: ClinVar variation 708954 (VCV000708954.14), dbSNP rs766606545, ClinGen allele CA7280689.

ClinVar aggregate classification (germline): Likely benign. Review status: criteria provided, multiple submitters, no conflicts (2 of 4 stars). 5 submissions from 5 submitters: Likely benign (5). Last evaluated 2025-10-16.

Conditions:
IFT43-related disorder. Also called: IFT43-related condition.
Cranioectodermal dysplasia 3 (CED3). Identifiers: Orphanet 1515, MedGen C3279807, MONDO:0013573, OMIM 614099.
Short-rib thoracic dysplasia 18 with polydactyly. Identifiers: MedGen C4693420, MONDO:0036483, OMIM 617866.
Retinitis pigmentosa 81 (RP81). Identifiers: MedGen C4693443, MONDO:0036482, OMIM 617871.

Allele frequency attached by ClinVar (database versions not stated): gnomAD 0.00001; gnomAD exomes 0.00001 and 0.00003; ExAC 0.00002; TOPMed 0.00002.
gnomAD v4.1: 52 of 1,611,800 alleles (0.0032%); highest among the groups gnomAD compares: Middle Eastern, 0.082%; 1 homozygote.

Submissions (5):

Labcorp Genetics (formerly Invitae), Labcorp
Classification: Likely benign. Last evaluated: 2025-10-16. Review status: criteria provided, single submitter. Criteria: Invitae Variant Classification Sherloc (09022015). Collection method: clinical testing. Allele origin: germline.

PreventionGenetics, part of Exact Sciences
Classification: Likely benign for IFT43-related condition. Last evaluated: 2025-02-21. Review status: criteria provided, single submitter. Criteria: ACMG Guidelines, 2015. Collection method: clinical testing. Allele origin: germline.
Comment: This variant is classified as likely benign based on ACMG/AMP sequence variant interpretation guidelines (Richards et al. 2015 PMID: 25741868, with internal and published modifications).

Blueprint Genetics
Classification: Likely benign. Last evaluated: 2024-09-27. Review status: criteria provided, single submitter. Criteria: ACMG Guidelines, 2015. Collection method: clinical testing. Allele origin: germline.

Fulgent Genetics
Classification: Likely benign for Cranioectodermal dysplasia 3; Short-rib thoracic dysplasia 18 with polydactyly; Retinitis pigmentosa 81. Last evaluated: 2022-04-15. Review status: criteria provided, single submitter. Criteria: ACMG Guidelines, 2015. Collection method: clinical testing. Allele origin: unknown.

Breakthrough Genomics
Classification: Likely benign. Review status: criteria provided, single submitter. Criteria: ACMG Guidelines, 2015. Collection method: not provided. Allele origin: germline. Inheritance: Autosomal recessive inheritance. Affected: yes.